The following is an entry in ClinVar:

ClinVar aggregate classification (germline): Uncertain significance (1 of 4 stars; one submission).

Submission:

GeneDx
Classification: Uncertain significance. Last evaluated: 2023-03-30. Review status: criteria provided, single submitter. Criteria: GeneDx Variant Classification Process June 2021. Collection method: clinical testing. Allele origin: germline. Affected: yes.
Comment: Not observed at significant frequency in large population cohorts (gnomAD); In silico analysis supports that this missense variant does not alter protein structure/function; Has not been previously published as pathogenic or benign to our knowledge

NM_001365999.1(SZT2):c.4640T>C (p.Leu1547Ser)

Gene: SZT2 (SZT2 subunit of KICSTOR complex; plus strand). Cytogenetic location: 1p34.2.
Variant type: single nucleotide variant.
Coding change: c.4640T>C on transcript NM_001365999.1 (MANE Select); coding-DNA position 4640, T replaced by C.
Protein change: p.Leu1547Ser; replaces leucine 1547 with serine.
Molecular consequence: missense variant.
Genome position (GRCh38, 1-based): chr1:43,430,655, T>C. VCF-style: chr1-43430655-T-C. GRCh37 (hg19) VCF-style: chr1-43896326-T-C.
Other names: c.4469T>C, p.Leu1490Ser (NM_015284.4); short protein forms L1490S, L1547S.
Identifiers: ClinVar variation 2581844 (VCV002581844.1), dbSNP rs2545826994, ClinGen allele CA340022422.